The following is an entry in ClinVar:

NM_016013.4(NDUFAF1):c.143A>G (p.Lys48Arg)

Gene: NDUFAF1 (NADH:ubiquinone oxidoreductase complex assembly factor 1; minus strand). Cytogenetic location: 15q15.1.
Variant type: single nucleotide variant.
Coding change: c.143A>G on transcript NM_016013.4 (MANE Select); coding-DNA position 143, A replaced by G.
Protein change: p.Lys48Arg; replaces lysine 48 with arginine.
Molecular consequence: missense variant. On other transcripts: non-coding transcript variant (1).
Genome position (GRCh38, 1-based): chr15:41,396,917, T>C on the plus strand (A>G on the coding strand, the complement: NDUFAF1 is on the minus strand). VCF-style: chr15-41396917-T-C. GRCh37 (hg19) VCF-style: chr15-41689115-T-C.
Other names: p.K48R:AAA>AGA; short protein forms K48R.
Identifiers: ClinVar variation 214728 (VCV000214728.6), dbSNP rs780200320, ClinGen allele CA324791.

ClinVar aggregate classification (germline): Conflicting classifications of pathogenicity. Review status: criteria provided, conflicting classifications (1 of 4 stars). 3 submissions from 3 submitters: Uncertain significance (2); Likely benign (1). Last evaluated 2023-11-24.

Allele frequency attached by ClinVar (database versions not stated): gnomAD 0.00001; gnomAD exomes 0.00001 and 0.00002; ExAC 0.00002; TOPMed 0.00005.

Submissions (3):

Labcorp Genetics (formerly Invitae), Labcorp
Classification: Uncertain significance. Last evaluated: 2023-11-24. Review status: criteria provided, single submitter. Criteria: Invitae Variant Classification Sherloc (09022015). Collection method: clinical testing. Allele origin: germline.
Comment: This sequence change replaces lysine, which is basic and polar, with arginine, which is basic and polar, at codon 48 of the NDUFAF1 protein (p.Lys48Arg). This variant is present in population databases (rs780200320, gnomAD 0.006%). This variant has not been reported in the literature in individuals affected with NDUFAF1-related conditions. ClinVar contains an entry for this variant (Variation ID: 214728). Advanced modeling of protein sequence and biophysical properties (such as structural, functional, and spatial information, amino acid conservation, physicochemical variation, residue mobility, and thermodynamic stability) performed at Invitae indicates that this missense variant is not expected to disrupt NDUFAF1 protein function with a negative predictive value of 80%. In summary, the available evidence is currently insufficient to determine the role of this variant in disease. Therefore, it has been classified as a Variant of Uncertain Significance.

Ambry Genetics
Classification: Uncertain significance. Last evaluated: 2021-10-18. Review status: criteria provided, single submitter. Criteria: Ambry Variant Classification Scheme 2023. Collection method: clinical testing. Allele origin: germline.

GeneDx
Classification: Likely benign. Last evaluated: 2015-01-29. Review status: criteria provided, single submitter. Criteria: GeneDx Variant Classification (06012015). Collection method: clinical testing. Allele origin: germline. Affected: yes.
Comment: This variant is considered likely benign or benign based on one or more of the following criteria: it is a conservative change, it occurs at a poorly conserved position in the protein, it is predicted to be benign by multiple in silico algorithms, and/or has population frequency not consistent with disease.